The following is an entry in ClinVar:

NM_021930.6(RINT1):c.42G>A (p.Pro14=)

Gene: RINT1 (RAD50 interactor 1; plus strand). Cytogenetic location: 7q22.3.
Variant type: single nucleotide variant.
Coding change: c.42G>A on transcript NM_021930.6 (MANE Select); coding-DNA position 42, G replaced by A.
Protein change: p.Pro14=; no amino-acid change (proline 14 retained).
Molecular consequence: synonymous variant. On other transcripts: 5 prime UTR variant (4), non-coding transcript variant (1).
Genome position (GRCh38, 1-based): chr7:105,532,357, G>A. VCF-style: chr7-105532357-G-A. GRCh37 (hg19) VCF-style: chr7-105172804-G-A.
Other names: c.-56G>A (NM_001346599.2); c.-978G>A (NM_001346600.2); c.-881G>A (NM_001346601.2); c.-501G>A (NM_001346603.2).
Identifiers: ClinVar variation 1739540 (VCV001739540.2), dbSNP rs528759477, ClinGen allele CA457050128.

ClinVar aggregate classification (germline): Uncertain significance (1 of 4 stars; one submission).

Allele frequency attached by ClinVar (database versions not stated): gnomAD exomes below 0.00001.
gnomAD v4.1: 1 of 1,601,340 alleles (0.000062%); highest among the groups gnomAD compares: Admixed American, 0.0017%; no homozygotes.

Submission:

Ambry Genetics
Classification: Uncertain significance. Last evaluated: 2021-06-29. Review status: criteria provided, single submitter. Criteria: Ambry Variant Classification Scheme 2023. Collection method: clinical testing. Allele origin: germline.
Comment: The c.42G>A variant (also known as p.P14P) is located in coding exon 1 of the RINT1 gene. This variant results from a G to A substitution at nucleotide position 42. This nucleotide substitution does not change the proline at codon 14. However, this change occurs in the last base pair of coding exon 1, which makes it likely to have some effect on normal mRNA splicing. This nucleotide position is highly conserved in available vertebrate species. In silico splice site analysis for this alteration is inconclusive. Since supporting evidence is limited at this time, the clinical significance of this alteration remains unclear.